The following is an entry in ClinVar:

ClinVar aggregate classification (germline): Conflicting classifications of pathogenicity. Review status: criteria provided, conflicting classifications (1 of 4 stars). 3 submissions from 3 submitters: Uncertain significance (1); Likely benign (2). Last evaluated 2026-05-10.

Conditions:
TMPRSS3-related disorder. Also called: TMPRSS3-related condition.

Allele frequency attached by ClinVar (database versions not stated): gnomAD 0.00001; TOPMed 0.00001; gnomAD exomes 0.00002 and 0.00004; ExAC 0.00003; 1000 Genomes Project 0.00020; 1000 Genomes Project 30x 0.00031.

Submissions (3):

PreventionGenetics, part of Exact Sciences
Classification: Uncertain significance for TMPRSS3-related condition. Last evaluated: 2026-05-10. Review status: criteria provided, single submitter. Criteria: ACMG Guidelines, 2015. Collection method: clinical testing. Allele origin: germline.
Comment: The TMPRSS3 c.1026A>T variant is not predicted to result in an amino acid change (p.=). This variant is predicted to impact splicing based on available splicing prediction programs (SpliceAI, Jaganathan et al. 2019. PubMed ID: 30661751). To our knowledge, this variant has not been reported in the literature. This variant is reported in 0.017% of alleles in individuals of Latino descent in gnomAD. At this time, the clinical significance of this variant is uncertain due to the absence of conclusive functional and genetic evidence.

Labcorp Genetics (formerly Invitae), Labcorp
Classification: Likely benign. Last evaluated: 2024-01-03. Review status: criteria provided, single submitter. Criteria: Invitae Variant Classification Sherloc (09022015). Collection method: clinical testing. Allele origin: germline.

GeneDx
Classification: Likely benign. Last evaluated: 2020-05-04. Review status: criteria provided, single submitter. Criteria: GeneDx Variant Classification Process June 2021. Collection method: clinical testing. Allele origin: germline. Affected: yes.

NM_001256317.3(TMPRSS3):c.1026A>T (p.Gly342=)

Gene: TMPRSS3 (transmembrane serine protease 3; minus strand). Cytogenetic location: 21q22.3.
Variant type: single nucleotide variant.
Coding change: c.1026A>T on transcript NM_001256317.3 (MANE Select); coding-DNA position 1026, A replaced by T.
Protein change: p.Gly342=; no amino-acid change (glycine 342 retained).
Molecular consequence: synonymous variant.
Genome position (GRCh38, 1-based): chr21:42,380,139, T>A on the plus strand (A>T on the coding strand, the complement: TMPRSS3 is on the minus strand). VCF-style: chr21-42380139-T-A. GRCh37 (hg19) VCF-style: chr21-43800248-T-A.
Other names: c.1026A>T, p.Gly342= (NM_024022.4); c.645A>T, p.Gly215= (NM_032404.3).
Identifiers: ClinVar variation 1204614 (VCV001204614.12), dbSNP rs565271986, ClinGen allele CA10042373.